The following is an entry in ClinVar:

NM_000330.4(RS1):c.607C>T (p.Pro203Ser)

Genes: CDKL5 (cyclin dependent kinase like 5; plus strand), RS1 (retinoschisin 1; minus strand). Cytogenetic location: Xp22.13.
Variant type: single nucleotide variant.
Coding change: c.607C>T on transcript NM_000330.4 (MANE Select); coding-DNA position 607, C replaced by T.
Protein change: p.Pro203Ser; replaces proline 203 with serine.
Molecular consequence: missense variant. On other transcripts: intron variant (2).
Genome position (GRCh38, 1-based): chrX:18,642,072, G>A on the plus strand (C>T on the coding strand, the complement: RS1 is on the minus strand). VCF-style: chrX-18642072-G-A. GRCh37 (hg19) VCF-style: chrX-18660192-G-A.
Other names: c.2714-3935G>A (NM_003159.3, NM_001037343.2); short protein forms P203S.
Identifiers: ClinVar variation 1912922 (VCV001912922.4), dbSNP rs1927600619, ClinGen allele CA412370273.
Genomic context (GRCh38, chrX:18,642,072, plus strand): 5'-ACTTGCTGACGCACTCCAGCAGCTCCATCCGGATGGCAATGCGGACGTGCCAGCCCAGCG[G>A]GATGAGGCGGATGAAGCGGGAGATGATGGGGGGCCGCAGCAGGTTCTGAACCGTGGAGGT-3'
Protein context (NP_000321.1, residues 193-213): PIISRFIRLI[Pro203Ser]LGWHVRIAIR

ClinVar aggregate classification (germline): Pathogenic (1 of 4 stars; one submission).

Submission:

Labcorp Genetics (formerly Invitae), Labcorp
Classification: Pathogenic. Last evaluated: 2022-11-01. Review status: criteria provided, single submitter. Criteria: Invitae Variant Classification Sherloc (09022015). Collection method: clinical testing. Allele origin: germline.
Comment: This sequence change replaces proline, which is neutral and non-polar, with serine, which is neutral and polar, at codon 203 of the RS1 protein (p.Pro203Ser). This variant is not present in population databases (gnomAD no frequency). This missense change has been observed in individual(s) with clinical features of retinoschisis (PMID: 32300273; Invitae). Advanced modeling of protein sequence and biophysical properties (such as structural, functional, and spatial information, amino acid conservation, physicochemical variation, residue mobility, and thermodynamic stability) performed at Invitae indicates that this missense variant is expected to disrupt RS1 protein function. This variant disrupts the p.Pro203 amino acid residue in RS1. Other variant(s) that disrupt this residue have been determined to be pathogenic (PMID: 9618178, 26356828, 28221463, 30652005). This suggests that this residue is clinically significant, and that variants that disrupt this residue are likely to be disease-causing. For these reasons, this variant has been classified as Pathogenic.

Literature cited by the submitters: PubMed 32300273; PubMed 9618178; PubMed 26356828; PubMed 28221463; PubMed 30652005.